The following is an entry in ClinVar:

NM_001081.4(CUBN):c.9455-1G>A

Gene: CUBN (cubilin; minus strand). Cytogenetic location: 10p13.
Variant type: single nucleotide variant.
Coding change: c.9455-1G>A on transcript NM_001081.4 (MANE Select); the canonical splice acceptor site of the intron before coding-DNA position 9455, G replaced by A.
Molecular consequence: splice acceptor variant.
Genome position (GRCh38, 1-based): chr10:16,851,444, C>T on the plus strand (G>A on the coding strand, the complement: CUBN is on the minus strand). VCF-style: chr10-16851444-C-T. GRCh37 (hg19) VCF-style: chr10-16893443-C-T.
Identifiers: ClinVar variation 4850574 (VCV004850574.1).

ClinVar aggregate classification (germline): Likely pathogenic (1 of 4 stars; one submission).

Conditions:
Imerslund-Grasbeck syndrome type 1 (IGS1). Also called: Megaloblastic anemia 1, Finnish type; MEGALOBLASTIC ANEMIA, 1; Imerslund-Gräsbeck syndrome 1. Identifiers: MedGen C4016819, MONDO:0100156, OMIM 261100.
Proteinuria, chronic benign. Identifiers: MedGen C5394384, MONDO:0030042, OMIM 618884.

gnomAD v4.1: 2 of 1,614,032 alleles (0.00012%); highest among the groups gnomAD compares: South Asian, 0.0022%; no homozygotes.

Submission:

First Genomix Gene Laboratory, Genetic Diagnostics Department
Classification: Likely pathogenic for Proteinuria, chronic benign; Imerslund-Grasbeck syndrome type 1. Last evaluated: 2025-08-01. Review status: criteria provided, single submitter. Criteria: ACMG Guidelines, 2015. Collection method: clinical testing. Allele origin: germline. Inheritance: Autosomal recessive inheritance. Affected: no. Observed: 1 variant allele.